The following is an entry in ClinVar:

ClinVar aggregate classification (germline): Conflicting classifications of pathogenicity. Review status: criteria provided, conflicting classifications (1 of 4 stars). 2 submissions from 2 submitters: Uncertain significance (1); Likely benign (1). Last evaluated 2025-04-07.

Conditions:
Hereditary cancer-predisposing syndrome. Also called: Tumor predisposition; Hereditary Cancer Syndrome; Hereditary neoplastic syndrome; Neoplastic Syndromes, Hereditary. Identifiers: Orphanet 140162, MedGen C0027672, MeSH D009386, MONDO:0015356.
Hereditary breast ovarian cancer syndrome. Also called: Hereditary breast and ovarian cancer syndrome; Breast and ovarian cancer; BRCA1- and BRCA2-Associated Hereditary Breast and Ovarian Cancer; Hereditary breast and ovarian cancer syndrome (HBOC); Hereditary breast and ovarian cancer; Hereditary breast and/or ovarian cancer syndrome. Identifiers: Orphanet 145, MedGen C0677776, MeSH D061325, MONDO:0003582. Disease mechanism: loss of function.

Submissions (2):

Labcorp Genetics (formerly Invitae), Labcorp
Classification: Uncertain significance for Hereditary breast ovarian cancer syndrome. Last evaluated: 2025-04-07. Review status: criteria provided, single submitter. Criteria: Invitae Variant Classification Sherloc (09022015). Collection method: clinical testing. Allele origin: germline.
Comment: This sequence change replaces leucine, which is neutral and non-polar, with serine, which is neutral and polar, at codon 1368 of the BRCA2 protein (p.Leu1368Ser). This variant is not present in population databases (gnomAD no frequency). This variant has not been reported in the literature in individuals affected with BRCA2-related conditions. ClinVar contains an entry for this variant (Variation ID: 2091702). Invitae Evidence Modeling of protein sequence and biophysical properties (such as structural, functional, and spatial information, amino acid conservation, physicochemical variation, residue mobility, and thermodynamic stability) indicates that this missense variant is not expected to disrupt BRCA2 protein function with a negative predictive value of 95%. In summary, the available evidence is currently insufficient to determine the role of this variant in disease. Therefore, it has been classified as a Variant of Uncertain Significance.

University of Washington Department of Laboratory Medicine, University of Washington
Classification: Likely benign for Hereditary cancer-predisposing syndrome. Last evaluated: 2023-03-23. Review status: criteria provided, single submitter. Criteria: Dines et al. (Genet Med. 2020). Collection method: curation. Allele origin: germline.
Comment: Missense variant in a coldspot region where missense variants are very unlikely to be pathogenic (PMID:31911673).

BRCA2 exon 11 coldspot. Reclassification based on statistical prior probability.

NM_000059.4(BRCA2):c.4103T>C (p.Leu1368Ser)

Gene: BRCA2 (BRCA2 DNA repair associated; plus strand). Cytogenetic location: 13q13.1.
Variant type: single nucleotide variant.
Coding change: c.4103T>C on transcript NM_000059.4 (MANE Select); coding-DNA position 4103, T replaced by C.
Protein change: p.Leu1368Ser; replaces leucine 1368 with serine.
Molecular consequence: missense variant.
Genome position (GRCh38, 1-based): chr13:32,338,458, T>C. VCF-style: chr13-32338458-T-C. GRCh37 (hg19) VCF-style: chr13-32912595-T-C.
Other names: c.4103T>C, p.Leu1368Ser (NM_001406719.1, NM_001406720.1); short protein forms L1368S.
Identifiers: ClinVar variation 2091702 (VCV002091702.6), dbSNP rs2137502944, ClinGen allele CA387779266.